The following is an entry in ClinVar:

ClinVar aggregate classification (germline): Uncertain significance. Review status: criteria provided, multiple submitters, no conflicts (2 of 4 stars). 3 submissions from 3 submitters: Uncertain significance (2). 1 of the submissions does not count toward it. Last evaluated 2024-07-15.

Conditions:
Eculizumab, poor response to. Identifiers: MedGen C3810402, OMIM 615749.
Complement component 5 deficiency. Also called: C5 DEFICIENCY. Identifiers: MedGen C0343047, MONDO:0012295, OMIM 609536.

Allele frequency attached by ClinVar (database versions not stated): gnomAD 0.00008 and 0.00007; TOPMed 0.00007; ESP Exome Variant Server 0.00008.
gnomAD v4.1: 25 of 1,614,012 alleles (0.0015%); highest among the groups gnomAD compares: African/African-American, 0.02%; no homozygotes.

Submissions (3):

Labcorp Genetics (formerly Invitae), Labcorp
Classification: Uncertain significance. Last evaluated: 2024-07-15. Review status: criteria provided, single submitter. Criteria: Invitae Variant Classification Sherloc (09022015). Collection method: clinical testing. Allele origin: germline.
Comment: This sequence change replaces arginine, which is basic and polar, with cysteine, which is neutral and slightly polar, at codon 885 of the C5 protein (p.Arg885Cys). This variant is present in population databases (rs373359894, gnomAD 0.02%). This variant has not been reported in the literature in individuals affected with C5-related conditions. ClinVar contains an entry for this variant (Variation ID: 127072). An algorithm developed to predict the effect of missense changes on protein structure and function (PolyPhen-2) suggests that this variant is likely to be disruptive. In summary, the available evidence is currently insufficient to determine the role of this variant in disease. Therefore, it has been classified as a Variant of Uncertain Significance.

Fulgent Genetics
Classification: Uncertain significance for Complement component 5 deficiency; Eculizumab, poor response to. Last evaluated: 2021-11-22. Review status: criteria provided, single submitter. Criteria: ACMG Guidelines, 2015. Collection method: clinical testing. Allele origin: unknown.

OMIM
Classification: Affects for ECULIZUMAB, POOR RESPONSE TO. Last evaluated: 2014-02-13. Review status: no assertion criteria provided. Collection method: literature only. Allele origin: germline. Not counted in ClinVar's aggregate classification.

Literature cited by the submitters: PubMed 24521109 (cited by OMIM).

NM_001735.3(C5):c.2653C>T (p.Arg885Cys)

Gene: C5 (complement C5; minus strand). Cytogenetic location: 9q33.2.
Variant type: single nucleotide variant.
Coding change: c.2653C>T on transcript NM_001735.3 (MANE Select); coding-DNA position 2653, C replaced by T.
Protein change: p.Arg885Cys; replaces arginine 885 with cysteine.
Molecular consequence: missense variant.
Genome position (GRCh38, 1-based): chr9:120,997,684, G>A on the plus strand (C>T on the coding strand, the complement: C5 is on the minus strand). VCF-style: chr9-120997684-G-A. GRCh37 (hg19) VCF-style: chr9-123759962-G-A.
Other names: C5, ARG885CYS; c.2671C>T, p.Arg891Cys (NM_001317163.2); short protein forms R885C, R891C.
Identifiers: ClinVar variation 127072 (VCV000127072.9), dbSNP rs373359894, ClinGen allele CA151356.